The following is an entry in ClinVar:

NM_001378183.1(PIEZO2):c.3599G>A (p.Cys1200Tyr)

Gene: PIEZO2 (piezo type mechanosensitive ion channel component 2; minus strand). Cytogenetic location: 18p11.22.
Variant type: single nucleotide variant.
Coding change: c.3599G>A on transcript NM_001378183.1 (MANE Select); coding-DNA position 3599, G replaced by A.
Protein change: p.Cys1200Tyr; replaces cysteine 1200 with tyrosine.
Molecular consequence: missense variant.
Genome position (GRCh38, 1-based): chr18:10,759,761, C>T on the plus strand (G>A on the coding strand, the complement: PIEZO2 is on the minus strand). VCF-style: chr18-10759761-C-T. GRCh37 (hg19) VCF-style: chr18-10759759-C-T.
Other names: c.3599G>A, p.Cys1200Tyr (NM_001410871.1); c.3524G>A, p.Cys1175Tyr (NM_022068.4); short protein forms C1175Y, C1200Y.
Identifiers: ClinVar variation 2662535 (VCV002662535.2), dbSNP rs2510647981, ClinGen allele CA401922175.

ClinVar aggregate classification (germline): Uncertain significance (1 of 4 stars; one submission).

Submission:

GeneDx
Classification: Uncertain significance. Last evaluated: 2026-02-13. Review status: criteria provided, single submitter. Criteria: GeneDx Variant Classification Process June 2021. Collection method: clinical testing. Allele origin: germline.
Comment: Not observed at significant frequency in large population cohorts (gnomAD); In silico analysis supports that this missense variant has a deleterious effect on protein structure/function; Has not been previously published as pathogenic or benign to our knowledge